The following is an entry in ClinVar:

ClinVar aggregate classification (germline): Uncertain significance (1 of 4 stars; one submission).

Submission:

Labcorp Genetics (formerly Invitae), Labcorp
Classification: Uncertain significance. Last evaluated: 2025-03-01. Review status: criteria provided, single submitter. Criteria: Invitae Variant Classification Sherloc (09022015). Collection method: clinical testing. Allele origin: germline.
Comment: This sequence change replaces arginine, which is basic and polar, with glycine, which is neutral and non-polar, at codon 385 of the EMC1 protein (p.Arg385Gly). This variant is not present in population databases (gnomAD no frequency). This variant has not been reported in the literature in individuals affected with EMC1-related conditions. Invitae Evidence Modeling of protein sequence and biophysical properties (such as structural, functional, and spatial information, amino acid conservation, physicochemical variation, residue mobility, and thermodynamic stability) has been performed for this missense variant. However, the output from this modeling did not meet the statistical confidence thresholds required to predict the impact of this variant on EMC1 protein function. In summary, the available evidence is currently insufficient to determine the role of this variant in disease. Therefore, it has been classified as a Variant of Uncertain Significance.

NM_015047.3(EMC1):c.1153C>G (p.Arg385Gly)

Genes: EMC1 (ER membrane protein complex subunit 1; minus strand), EMC1-AS1 (EMC1 antisense RNA 1; plus strand). Cytogenetic location: 1p36.13.
Variant type: single nucleotide variant.
Coding change: c.1153C>G on transcript NM_015047.3 (MANE Select); coding-DNA position 1153, C replaced by G.
Protein change: p.Arg385Gly; replaces arginine 385 with glycine.
Molecular consequence: missense variant.
Genome position (GRCh38, 1-based): chr1:19,238,076, G>C on the plus strand (C>G on the coding strand, the complement: EMC1 is on the minus strand). VCF-style: chr1-19238076-G-C. GRCh37 (hg19) VCF-style: chr1-19564570-G-C.
Other names: c.1150C>G, p.Arg384Gly (NM_001271427.2, NM_001375821.1); c.1153C>G, p.Arg385Gly (NM_001271428.2, NM_001375820.1); c.1087C>G, p.Arg363Gly (NM_001271429.2); short protein forms R363G, R384G, R385G.
Identifiers: ClinVar variation 4711324 (VCV004711324.1).